The following is an entry in ClinVar:

NM_002615.7(SERPINF1):c.262GCCCTCTCG[4] (p.Ser93_Leu94insAlaLeuSerAlaLeuSer)

Genes: SERPINF1 (serpin family F member 1; plus strand), LOC130059892 (ATAC-STARR-seq lymphoblastoid active region 11457; plus strand). Cytogenetic location: 17p13.3.
Variant type: Microsatellite.
Coding change: c.262GCCCTCTCG[4] on transcript NM_002615.7 (MANE Select); four copies in a row of the 9-base unit GCCCTCTCG starting at c.262; the reference has two copies in a row; two copies, 18 bases duplicated; also written c.262_279dup.
Protein change: p.Ser93_Leu94insAlaLeuSerAlaLeuSer.
Molecular consequence: inframe insertion. On other transcripts: 5 prime UTR variant (1).
Genome position (GRCh38, 1-based): chr17:1,770,029-1,770,046, GCCCTCTCGGCCCTCTCG duplicated; duplicating any 18 consecutive bases within chr17:1,770,027-1,770,046 gives the same sequence; the position shown is the placement nearest the transcript's 3' end. VCF-style (leftmost placement, unchanged base first): chr17-1770026-A-ACGGCCCTCTCGGCCCTCT. GRCh37 (hg19) VCF-style: chr17-1673320-A-ACGGCCCTCTCGGCCCTCT.
Other names: c.262GCCCTCTCG[4], p.Ser93_Leu94insAlaLeuSerAlaLeuSer (NM_001329903.2); c.-300GCCCTCTCG[4] (NM_001329904.2); c.262_279dup (NM_002615.7).
Identifiers: ClinVar variation 4819375 (VCV004819375.1).

ClinVar aggregate classification (germline): Likely pathogenic (1 of 4 stars; one submission).

Conditions:
Osteogenesis imperfecta type 6. Also called: Osteogenesis imperfecta, type VI. Identifiers: Orphanet 666, MedGen C3279564, MONDO:0013515, OMIM 613982.

Submission:

Clinical Biomedical Laboratory, Shriners Hospital For Children - Canada
Classification: Likely pathogenic for Osteogenesis imperfecta type 6. Last evaluated: 2026-03-10. Review status: criteria provided, single submitter. Criteria: ACMG Guidelines, 2015. Collection method: clinical testing. Allele origin: germline. Affected: yes.
Comment: This variant creates an in-frame duplication that is expected to add five amino acids to PEDF. A similar homozygous SERPINF1 variant (c.266_274dup, p.Ala91_Ser93dup) has been reported before in individuals with osteogenesis imperfecta type VI. Published functional studies demonstrate a damaging effect with reduction of protein expression (PMID: 25868797). This variant has been published (PMID: 25868797, 27796462). We have observed this variant in more than five independent families with osteogeneisis imperfecta type VI in our database. Based on the ACMG variant interpretation guidelines, the available evidence supports classification of this variant as likely pathogenic

Literature cited by the submitters: PubMed 25868797; PubMed 27796462.